The following is an entry in ClinVar:

NM_001042492.3(NF1):c.7970+3_7970+4del

Gene: NF1 (neurofibromin 1; plus strand). Cytogenetic location: 17q11.2.
Variant type: Deletion.
Coding change: c.7970+3_7970+4del on transcript NM_001042492.3 (MANE Select); bases 3 to 4 of the intron after coding-DNA position 7970, 2 bases deleted (AA; older notation c.7970+3_7970+4delAA).
Molecular consequence: intron variant.
Genome position (GRCh38, 1-based): chr17:31,357,372-31,357,373, AA deleted. VCF-style (leftmost placement, unchanged base first): chr17-31357371-TAA-T. GRCh37 (hg19) VCF-style: chr17-29684389-TAA-T.
Other names: c.7907+3_7907+4del (NM_000267.4).
Identifiers: ClinVar variation 1511569 (VCV001511569.6), dbSNP rs2151583488, ClinGen allele CA2573153454.

ClinVar aggregate classification (germline): Uncertain significance (1 of 4 stars; one submission).

Conditions:
Neurofibromatosis, type 1 (NF1). Also called: Neurofibromatosis, type I; Peripheral type neurofibromatosis; VON RECKLINGHAUSEN DISEASE; NEUROFIBROMATOSIS, TYPE I, SOMATIC. Identifiers: Orphanet 636, MedGen C0027831, MONDO:0018975, OMIM 162200. Disease mechanism: loss of function.

Submission:

Labcorp Genetics (formerly Invitae), Labcorp
Classification: Uncertain significance for Neurofibromatosis, type 1. Last evaluated: 2021-08-09. Review status: criteria provided, single submitter. Criteria: Invitae Variant Classification Sherloc (09022015). Collection method: clinical testing. Allele origin: germline.
Comment: This sequence change falls in intron 53 of the NF1 gene. It does not directly change the encoded amino acid sequence of the NF1 protein. It affects a nucleotide within the consensus splice site of the intron. This variant is not present in population databases (ExAC no frequency). This variant has not been reported in the literature in individuals affected with NF1-related conditions. Variants that disrupt the consensus splice site are a relatively common cause of aberrant splicing (PMID: 17576681, 9536098). Algorithms developed to predict the effect of sequence changes on RNA splicing suggest that this variant may disrupt the consensus splice site. In summary, the available evidence is currently insufficient to determine the role of this variant in disease. Therefore, it has been classified as a Variant of Uncertain Significance.

Literature cited by the submitters: PubMed 17576681; PubMed 9536098.